The following is an entry in ClinVar:

NM_000245.4(MET):c.669A>G (p.Lys223=)

Gene: MET (MET proto-oncogene, receptor tyrosine kinase; plus strand). Cytogenetic location: 7q31.2.
Variant type: single nucleotide variant.
Coding change: c.669A>G on transcript NM_000245.4 (MANE Select); coding-DNA position 669, A replaced by G.
Protein change: p.Lys223=; no amino-acid change (lysine 223 retained).
Molecular consequence: synonymous variant. On other transcripts: intron variant (1).
Genome position (GRCh38, 1-based): chr7:116,699,753, A>G. VCF-style: chr7-116699753-A-G. GRCh37 (hg19) VCF-style: chr7-116339807-A-G.
Other names: c.669A>G (NM_001127500.2); c.669A>G, p.Lys223= (NM_001127500.3, NM_001324401.3); c.-91+27176A>G (NM_001324402.2).
Identifiers: ClinVar variation 215794 (VCV000215794.18), dbSNP rs863224380, ClinGen allele CA336823.
Genomic context (GRCh38, chr7:116,699,753, plus strand): 5'-TTCTTATTTCCCAGATCATCCATTGCATTCGATATCAGTGAGAAGGCTAAAGGAAACGAA[A>G]GATGGTTTTATGTTTTTGACGGACCAGTCCTACATTGATGTTTTACCTGAGTTCAGAGAT-3'
Protein context (NP_000236.2, residues 213-233): SISVRRLKET[Lys223=]DGFMFLTDQS

ClinVar aggregate classification (germline): Benign/Likely benign. Review status: criteria provided, multiple submitters, no conflicts (2 of 4 stars). 4 submissions from 4 submitters: Benign (1); Likely benign (2). 1 of the submissions does not count toward it. Last evaluated 2025-11-25.

Conditions:
MET-related disorder. Also called: MET-related condition.
Renal cell carcinoma. Identifiers: Orphanet 217071, MedGen C0007134, MeSH D002292, MONDO:0005086, HP:0005584.
Hereditary cancer-predisposing syndrome. Also called: Hereditary neoplastic syndrome; Neoplastic Syndromes, Hereditary; Tumor predisposition; Hereditary Cancer Syndrome. Identifiers: Orphanet 140162, MedGen C0027672, MeSH D009386, MONDO:0015356.
Papillary renal cell carcinoma type 1 (RCCP1). Also called: RENAL CELL CARCINOMA, PAPILLARY, 1, SOMATIC; Renal adenocarcinoma; Renal cell carcinoma 1; Renal cell carcinoma, somatic. Identifiers: Orphanet 47044, MedGen C1336839, OMIM 605074, HP:0011797.

Allele frequency attached by ClinVar (database versions not stated): gnomAD exomes below 0.00001; TOPMed below 0.00001; gnomAD 0.00001.
gnomAD v4.1: 4 of 1,614,002 alleles (0.00025%); highest among the groups gnomAD compares: Non-Finnish European, 0.00034%; no homozygotes.

Submissions (4):

Labcorp Genetics (formerly Invitae), Labcorp
Classification: Likely benign for Renal cell carcinoma. Last evaluated: 2025-11-25. Review status: criteria provided, single submitter. Criteria: Invitae Variant Classification Sherloc (09022015). Collection method: clinical testing. Allele origin: germline.

Myriad Genetics, Inc.
Classification: Benign for Papillary renal cell carcinoma type 1. Last evaluated: 2024-11-06. Review status: criteria provided, single submitter. Criteria: Myriad Autosomal Dominant, Autosomal Recessive and X-Linked Classification Criteria (2023). Collection method: clinical testing. Allele origin: unknown.
Comment: This variant is considered benign. This variant is a silent/synonymous amino acid change and it is not expected to impact splicing.

Ambry Genetics
Classification: Likely benign for Hereditary cancer-predisposing syndrome. Last evaluated: 2016-08-19. Review status: criteria provided, single submitter. Criteria: Ambry Variant Classification Scheme 2023. Collection method: clinical testing. Allele origin: germline.

PreventionGenetics, part of Exact Sciences
Classification: Likely benign for MET-related condition. Last evaluated: 2024-03-09. Review status: no assertion criteria provided. Collection method: clinical testing. Allele origin: germline. Not counted in ClinVar's aggregate classification.
Comment: This variant is classified as likely benign based on ACMG/AMP sequence variant interpretation guidelines (Richards et al. 2015 PMID: 25741868, with internal and published modifications).